The following is an entry in ClinVar:

NM_020759.3(STARD9):c.11336C>T (p.Pro3779Leu)

Gene: STARD9 (StAR related lipid transfer domain containing 9; plus strand). Cytogenetic location: 15q15.2.
Variant type: single nucleotide variant.
Coding change: c.11336C>T on transcript NM_020759.3 (MANE Select); coding-DNA position 11336, C replaced by T.
Protein change: p.Pro3779Leu; replaces proline 3779 with leucine.
Molecular consequence: missense variant.
Genome position (GRCh38, 1-based): chr15:42,692,914, C>T. VCF-style: chr15-42692914-C-T. GRCh37 (hg19) VCF-style: chr15-42985112-C-T.
Other names: short protein forms P3779L.
Identifiers: ClinVar variation 3045760 (VCV003045760.2), dbSNP rs575961496, ClinGen allele CA7514814.

ClinVar aggregate classification (germline): Likely benign (0 of 4 stars; one submission).

Conditions:
STARD9-related disorder. Also called: STARD9-related condition.

Allele frequency attached by ClinVar (database versions not stated): TOPMed 0.00001; gnomAD 0.00003; gnomAD exomes 0.00018; 1000 Genomes Project 0.00040; 1000 Genomes Project 30x 0.00047; ExAC 0.00165.
gnomAD v4.1: 241 of 1,537,178 alleles (0.016%); highest among the groups gnomAD compares: South Asian, 0.28%; 5 homozygotes.

Submission:

PreventionGenetics, part of Exact Sciences
Classification: Likely benign for STARD9-related condition. Last evaluated: 2022-11-22. Review status: no assertion criteria provided. Collection method: clinical testing. Allele origin: germline.
Comment: This variant is classified as likely benign based on ACMG/AMP sequence variant interpretation guidelines (Richards et al. 2015 PMID: 25741868, with internal and published modifications).